The following is an entry in ClinVar:

NM_178526.5(SLC25A42):c.383C>A (p.Ala128Asp)

Gene: SLC25A42 (solute carrier family 25 member 42; plus strand). Cytogenetic location: 19p13.11.
Variant type: single nucleotide variant.
Coding change: c.383C>A on transcript NM_178526.5 (MANE Select); coding-DNA position 383, C replaced by A.
Protein change: p.Ala128Asp; replaces alanine 128 with aspartic acid.
Molecular consequence: missense variant.
Genome position (GRCh38, 1-based): chr19:19,106,271, C>A. VCF-style: chr19-19106271-C-A. GRCh37 (hg19) VCF-style: chr19-19217080-C-A.
Other names: c.383C>A, p.Ala128Asp (NM_001321544.2); short protein forms A128D.
Identifiers: ClinVar variation 1423548 (VCV001423548.6), dbSNP rs2059827138, ClinGen allele CA404893211.

ClinVar aggregate classification (germline): Uncertain significance (1 of 4 stars; one submission).

Allele frequency attached by ClinVar (database versions not stated): gnomAD exomes below 0.00001.
gnomAD v4.1: 3 of 1,610,844 alleles (0.00019%); highest among the groups gnomAD compares: Non-Finnish European, 0.00025%; no homozygotes.

Submission:

Labcorp Genetics (formerly Invitae), Labcorp
Classification: Uncertain significance. Last evaluated: 2025-02-26. Review status: criteria provided, single submitter. Criteria: Invitae Variant Classification Sherloc (09022015). Collection method: clinical testing. Allele origin: germline.
Comment: This sequence change replaces alanine, which is neutral and non-polar, with aspartic acid, which is acidic and polar, at codon 128 of the SLC25A42 protein (p.Ala128Asp). This variant is not present in population databases (gnomAD no frequency). This variant has not been reported in the literature in individuals affected with SLC25A42-related conditions. ClinVar contains an entry for this variant (Variation ID: 1423548). An algorithm developed to predict the effect of missense changes on protein structure and function outputs the following: PolyPhen-2: "Benign". The aspartic acid amino acid residue is found in multiple mammalian species, which suggests that this missense change does not adversely affect protein function. In summary, the available evidence is currently insufficient to determine the role of this variant in disease. Therefore, it has been classified as a Variant of Uncertain Significance.